The following is an entry in ClinVar:

ClinVar aggregate classification (germline): Uncertain significance. Review status: criteria provided, multiple submitters, no conflicts (2 of 4 stars). 2 submissions from 2 submitters: Uncertain significance (2). Last evaluated 2023-11-07.

Conditions:
Inborn genetic diseases. Identifiers: MedGen C0950123, MeSH D030342.

Allele frequency attached by ClinVar (database versions not stated): ExAC 0.00003; gnomAD 0.00007; TOPMed 0.00007; 1000 Genomes Project 0.00040; 1000 Genomes Project 30x 0.00047.
gnomAD v4.1: 39 of 1,613,828 alleles (0.0024%); highest among the groups gnomAD compares: Admixed American, 0.0067%; no homozygotes.

Submissions (2):

Ambry Genetics
Classification: Uncertain significance for Inborn genetic diseases. Last evaluated: 2023-11-07. Review status: criteria provided, single submitter. Criteria: Ambry Variant Classification Scheme 2023. Collection method: clinical testing. Allele origin: germline.

Athena Diagnostics
Classification: Uncertain significance. Last evaluated: 2022-11-28. Review status: criteria provided, single submitter. Criteria: Athena Diagnostics Criteria. Collection method: clinical testing. Allele origin: unknown.
Comment: Available data are insufficient to determine the clinical significance of the variant at this time. The frequency of this variant in the general population is uninformative in assessment of its pathogenicity. Computational tools disagree on the variant's effect on normal protein function.

NM_005529.7(HSPG2):c.9364G>A (p.Val3122Met)

Gene: HSPG2 (heparan sulfate proteoglycan 2; minus strand). Cytogenetic location: 1p36.12.
Variant type: single nucleotide variant.
Coding change: c.9364G>A on transcript NM_005529.7 (MANE Select); coding-DNA position 9364, G replaced by A.
Protein change: p.Val3122Met; replaces valine 3122 with methionine.
Molecular consequence: missense variant.
Genome position (GRCh38, 1-based): chr1:21,841,250, C>T on the plus strand (G>A on the coding strand, the complement: HSPG2 is on the minus strand). VCF-style: chr1-21841250-C-T. GRCh37 (hg19) VCF-style: chr1-22167743-C-T.
Other names: c.9367G>A, p.Val3123Met (NM_001291860.2); c.9364G>A (NM_005529.5); short protein forms V3122M, V3123M.
Identifiers: ClinVar variation 2684228 (VCV002684228.2), dbSNP rs530638947, ClinGen allele CA670462.
Genomic context (GRCh38, chr1:21,841,250, plus strand): 5'-AGCGGGGCTCCCCGGCACTGACACACTCCAGGGTGACAGCCTTTCCCACTTTCACCCACA[C>T]GGGGCCCTCGGGGAGCACGGACACTGTAGGGGGCCCTGTGCGGAGGAATGACAACCACTG-3'
Protein context (NP_005520.4, residues 3112-3132): PTVSVLPEGP[Val3122Met]WVKVGKAVTL